The following is an entry in ClinVar:

ClinVar aggregate classification (germline): Likely benign. Review status: criteria provided, multiple submitters, no conflicts (2 of 4 stars). 5 submissions from 5 submitters: Likely benign (4). 1 of the submissions does not count toward it. Last evaluated 2025-11-26.

Conditions:
CFTR-related disorder (CFTR-RD). Also called: CFTR-related condition; CFTR-related disorders. Identifiers: MedGen C5924204, MONDO:7770004.
Cystic fibrosis (CF). Also called: MUCOVISCIDOSIS. Identifiers: Orphanet 586, MedGen C0010674, MONDO:0009061, OMIM 219700. Disease mechanism: loss of function.

Allele frequency attached by ClinVar (database versions not stated): gnomAD exomes below 0.00001 and 0.00002; gnomAD 0.00001; 1000 Genomes Project 0.00020; 1000 Genomes Project 30x 0.00031.
gnomAD v4.1: 4 of 1,522,906 alleles (0.00026%); highest among the groups gnomAD compares: East Asian, 0.0068%; no homozygotes.

Submissions (5):

PreventionGenetics, part of Exact Sciences
Classification: Likely benign for CFTR-related condition. Last evaluated: 2025-11-26. Review status: criteria provided, single submitter. Criteria: ACMG Guidelines, 2015. Collection method: clinical testing. Allele origin: germline.
Comment: This variant is classified as likely benign based on ACMG/AMP sequence variant interpretation guidelines (Richards et al. 2015 PMID: 25741868, with internal and published modifications).

CeGaT Center for Human Genetics Tuebingen
Classification: Likely benign. Last evaluated: 2025-09-01. Review status: criteria provided, single submitter. Criteria: CeGaT Center For Human Genetics Tuebingen Variant Classification Criteria Version 2. Collection method: clinical testing. Allele origin: germline. Affected: yes. Observed: 1 variant allele.
Comment: CFTR: BP4, BP7

Labcorp Genetics (formerly Invitae), Labcorp
Classification: Likely benign for Cystic fibrosis. Last evaluated: 2024-12-23. Review status: criteria provided, single submitter. Criteria: Invitae Variant Classification Sherloc (09022015). Collection method: clinical testing. Allele origin: germline.

Ambry Genetics
Classification: Likely benign for Cystic fibrosis. Last evaluated: 2020-07-22. Review status: criteria provided, single submitter. Criteria: Ambry Variant Classification Scheme 2023. Collection method: clinical testing. Allele origin: germline.

Natera, Inc.
Classification: Likely benign for CFTR-related disorders. Last evaluated: 2017-11-16. Review status: no assertion criteria provided. Collection method: clinical testing. Allele origin: germline. Not counted in ClinVar's aggregate classification.

NM_000492.4(CFTR):c.2373A>G (p.Thr791=)

Gene: CFTR (CF transmembrane conductance regulator; plus strand). Cytogenetic location: 7q31.2.
Variant type: single nucleotide variant.
Coding change: c.2373A>G on transcript NM_000492.4 (MANE Select); coding-DNA position 2373, A replaced by G.
Protein change: p.Thr791=; no amino-acid change (threonine 791 retained).
Molecular consequence: synonymous variant.
Genome position (GRCh38, 1-based): chr7:117,592,540, A>G. VCF-style: chr7-117592540-A-G. GRCh37 (hg19) VCF-style: chr7-117232594-A-G.
Identifiers: ClinVar variation 704241 (VCV000704241.22), dbSNP rs202115503, ClinGen allele CA164948251.